The following is an entry in ClinVar:

NM_001130987.2(DYSF):c.1055G>C (p.Trp352Ser)

Gene: DYSF (dysferlin; plus strand). Cytogenetic location: 2p13.2.
Variant type: single nucleotide variant.
Coding change: c.1055G>C on transcript NM_001130987.2 (MANE Select); coding-DNA position 1055, G replaced by C.
Protein change: p.Trp352Ser; replaces tryptophan 352 with serine.
Molecular consequence: missense variant.
Genome position (GRCh38, 1-based): chr2:71,520,810, G>C. VCF-style: chr2-71520810-G-C. GRCh37 (hg19) VCF-style: chr2-71747940-G-C.
Other names: c.959G>C (NM_003494.3); c.962G>C, p.Trp321Ser (NM_001130455.2, NM_001130983.2, NM_001130984.2 and 1 more transcripts); c.959G>C, p.Trp320Ser (NM_001130976.2, NM_001130977.2, NM_001130978.2 and 1 more transcripts); c.1052G>C, p.Trp351Ser (NM_001130979.2, NM_001130980.2, NM_001130981.2); c.1055G>C, p.Trp352Ser (NM_001130982.2, NM_001130985.2); short protein forms W320S, W321S, W351S, W352S.
Identifiers: ClinVar variation 1508646 (VCV001508646.10), dbSNP rs2152742210, ClinGen allele CA347211961.

ClinVar aggregate classification (germline): Conflicting classifications of pathogenicity. Review status: criteria provided, conflicting classifications (1 of 4 stars). 2 submissions from 2 submitters: Likely pathogenic (1); Uncertain significance (1). Last evaluated 2021-01-06.

Conditions:
Neuromuscular disease caused by qualitative or quantitative defects of dysferlin. Also called: Dysferlinopathy; Qualitative or quantitative defects of dysferlin. Identifiers: Orphanet 207073, MedGen C2931687, MONDO:0016145.

gnomAD v4.1: 4 of 1,614,030 alleles (0.00025%); highest among the groups gnomAD compares: Non-Finnish European, 0.00034%; no homozygotes.

Submissions (2):

Labcorp Genetics (formerly Invitae), Labcorp
Classification: Likely pathogenic for Neuromuscular disease caused by qualitative or quantitative defects of dysferlin. Last evaluated: 2021-01-06. Review status: criteria provided, single submitter. Criteria: Invitae Variant Classification Sherloc (09022015). Collection method: clinical testing. Allele origin: germline.
Comment: In summary, the currently available evidence indicates that the variant is pathogenic, but additional data are needed to prove that conclusively. Therefore, this variant has been classified as Likely Pathogenic. Advanced modeling of protein sequence and biophysical properties (such as structural, functional, and spatial information, amino acid conservation, physicochemical variation, residue mobility, and thermodynamic stability) performed at Invitae indicates that this missense variant is expected to disrupt DYSF protein function. This variant has been observed in individual(s) with dysferlinopathy (PMID: 27195159). This variant is not present in population databases (ExAC no frequency). This sequence change replaces tryptophan with serine at codon 320 of the DYSF protein (p.Trp320Ser). The tryptophan residue is moderately conserved and there is a large physicochemical difference between tryptophan and serine.

Revvity Omics, Revvity
Classification: Uncertain significance. Last evaluated: 2019-08-08. Review status: criteria provided, single submitter. Criteria: ACMG Guidelines, 2015. Collection method: clinical testing. Allele origin: germline.

Literature cited by the submitters: PubMed 27195159 (cited by Labcorp Genetics (formerly Invitae), Labcorp).